The following is an entry in ClinVar:

ClinVar aggregate classification (germline): Uncertain significance. Review status: criteria provided, multiple submitters, no conflicts (2 of 4 stars). 2 submissions from 2 submitters: Uncertain significance (2). Last evaluated 2024-07-10.

Conditions:
Pheochromocytoma. Also called: MAX-Related Hereditary Paraganglioma-Pheochromocytoma Syndrome. Identifiers: Orphanet 29072, MedGen C0031511, MONDO:0008233, OMIM 171300, HP:0002666.
Gastrointestinal stromal tumor. Also called: Gastrointestinal stromal tumor, somatic; Gastrointestinal stroma tumor. Identifiers: Orphanet 44890, MedGen C0238198, MeSH D046152, MONDO:0011719, OMIM 606764, HP:0100723.
Pheochromocytoma/paraganglioma syndrome 4. Also called: SDHB-Related Hereditary Paraganglioma-Pheochromocytoma Syndrome (Paragangliomas 4); SDHB-Related Hereditary Paraganglioma-Pheochromocytoma Syndrome; CAROTID BODY TUMORS AND MULTIPLE EXTRAADRENAL PHEOCHROMOCYTOMAS; PARAGANGLIOMA, FAMILIAL MALIGNANT; PARAGANGLIOMAS, HEREDITARY EXTRAADRENAL; PHEOCHROMOCYTOMA, FAMILIAL EXTRAADRENAL. Identifiers: Orphanet 29072, MedGen C1861848, MONDO:0007273, OMIM 115310.
Hereditary pheochromocytoma and paraganglioma. Also called: Hereditary pheochromocytoma-paraganglioma; Hereditary Paraganglioma-Pheochromocytoma Syndromes; Hereditary paragangliomas and pheochromocytomas. Identifiers: Orphanet 29072, MedGen C4274332, MONDO:0017366.

Submissions (2):

All of Us Research Program, National Institutes of Health
Classification: Uncertain significance for Hereditary pheochromocytoma and paraganglioma. Last evaluated: 2024-07-10. Review status: criteria provided, single submitter. Criteria: ACMG Guidelines, 2015. Collection method: clinical testing. Allele origin: germline. Inheritance: Autosomal dominant inheritance. Observed: 1 variant allele, 1 heterozygote.
Comment: This missense variant replaces alanine with proline at codon 271 of the SDHB protein. Computational prediction suggests that this variant may have deleterious impact on protein structure and function (internally defined REVEL score threshold >= 0.7, PMID: 27666373). To our knowledge, functional studies have not been reported for this variant. This variant has not been reported in individuals affected with SDHB-related disorders in the literature. This variant has not been identified in the general population by the Genome Aggregation Database (gnomAD). The available evidence is insufficient to determine the role of this variant in disease conclusively. Therefore, this variant is classified as a Variant of Uncertain Significance.

This study involves interpretation of variants in research participants for the purpose of population health screening. Participant phenotype was not available at the time of variant classification. Additional details can be found in publication PMID: 35346344, PMCID: PMC8962531

Labcorp Genetics (formerly Invitae), Labcorp
Classification: Uncertain significance for Gastrointestinal stromal tumor; Pheochromocytoma/paraganglioma syndrome 4; Pheochromocytoma. Last evaluated: 2023-05-15. Review status: criteria provided, single submitter. Criteria: Invitae Variant Classification Sherloc (09022015). Collection method: clinical testing. Allele origin: germline.
Comment: This sequence change replaces alanine, which is neutral and non-polar, with proline, which is neutral and non-polar, at codon 271 of the SDHB protein (p.Ala271Pro). This variant is not present in population databases (gnomAD no frequency). This variant has not been reported in the literature in individuals affected with SDHB-related conditions. ClinVar contains an entry for this variant (Variation ID: 1915803). In summary, the available evidence is currently insufficient to determine the role of this variant in disease. Therefore, it has been classified as a Variant of Uncertain Significance. Advanced modeling of protein sequence and biophysical properties (such as structural, functional, and spatial information, amino acid conservation, physicochemical variation, residue mobility, and thermodynamic stability) performed at Invitae indicates that this missense variant is not expected to disrupt SDHB protein function.

NM_003000.3(SDHB):c.811G>C (p.Ala271Pro)

Gene: SDHB (succinate dehydrogenase complex iron sulfur subunit B; minus strand). Cytogenetic location: 1p36.13.
Variant type: single nucleotide variant.
Coding change: c.811G>C on transcript NM_003000.3 (MANE Select); coding-DNA position 811, G replaced by C.
Protein change: p.Ala271Pro; replaces alanine 271 with proline.
Molecular consequence: missense variant.
Genome position (GRCh38, 1-based): chr1:17,018,913, C>G on the plus strand (G>C on the coding strand, the complement: SDHB is on the minus strand). VCF-style: chr1-17018913-C-G. GRCh37 (hg19) VCF-style: chr1-17345408-C-G.
Other names: c.757G>C, p.Ala253Pro (NM_001407361.1); short protein forms A253P, A271P.
Identifiers: ClinVar variation 1915803 (VCV001915803.6), dbSNP rs1418428253, ClinGen allele CA338268838.